The following is an entry in ClinVar:

NM_001267550.2(TTN):c.79827del (p.Ala26610fs)

Genes: TTN-AS1 (TTN antisense RNA 1; plus strand), TTN (titin; minus strand). Cytogenetic location: 2q31.2.
Variant type: Deletion.
Coding change: c.79827del on transcript NM_001267550.2 (MANE Select); coding-DNA position 79827, one base deleted (T; older notation c.79827delT).
Protein change: p.Ala26610fs; shifts the reading frame from alanine 26610.
Molecular consequence: frameshift variant.
Genome position (GRCh38, 1-based): chr2:178,566,305, A deleted on the plus strand (T on the coding strand, the reverse complement: TTN is on the minus strand). VCF-style (leftmost placement, unchanged base first): chr2-178566304-CA-C. GRCh37 (hg19) VCF-style: chr2-179431031-CA-C.
Other names: c.72123delT (NM_133378.4); c.74904del, p.Ala24969fs (NM_001256850.1); c.52632del, p.Ala17545fs (NM_003319.4); c.72123del, p.Ala24042fs (NM_133378.4); c.53007del, p.Ala17670fs (NM_133432.3); c.53208del, p.Ala17737fs (NM_133437.4); short protein forms A24969fs, A26610fs, A17545fs, A17670fs, A17737fs, A24042fs.
Identifiers: ClinVar variation 47381 (VCV000047381.5), dbSNP rs397517715, ClinGen allele CA140843.
Genomic context (GRCh38, chr2:178,566,304, plus strand): 5'-CCTCTCGAGACCAAGTGATCTCAGGCGTTGGACGACCTTTGAATGGAATGTGAATTCTGG[CA>C]GATCCACCAGCTCTTACAACAATTCCTTTTCTTAATTCGGAGTCAAGGTCAAGTTCAGGT-3'

ClinVar aggregate classification (germline): Uncertain significance (1 of 4 stars; one submission).

Submission:

Laboratory for Molecular Medicine, Mass General Brigham Personalized Medicine
Classification: Uncertain significance. Last evaluated: 2012-09-05. Review status: criteria provided, single submitter. Criteria: LMM Criteria. Collection method: clinical testing. Allele origin: germline. Inheritance: Autosomal dominant inheritance. Observed: 1 variant allele.
Comment: Variant classified as Uncertain Significance - Favor Pathogenic. The Ala24042fs variant in TTN has not been reported in the literature nor previously identified by our laboratory. This variant is predicted to cause a frameshift, which alter s the protein's amino acid sequence beginning at codon 24042 and leads to a prem ature stop codon 34 amino acids downstream. This alteration is then predicted to lead to a truncated or absent protein (loss of function). Heterozygous loss of function of the TTN gene is strongly associated with DCM (Herman 2012), which su pports a pathogenic role of this variant. However, it so far only been detected in the context of another variant and therefore additional studies are needed t o fully assess its clinical significance.